The following is an entry in ClinVar:

ClinVar aggregate classification (germline): Pathogenic (1 of 4 stars; one submission).

Submission:

GeneDx
Classification: Pathogenic. Last evaluated: 2023-12-10. Review status: criteria provided, single submitter. Criteria: GeneDx Variant Classification Process June 2021. Collection method: clinical testing. Allele origin: germline. Affected: yes.
Comment: Not observed at significant frequency in large population cohorts (gnomAD); In silico analysis supports that this missense variant has a deleterious effect on protein structure/function; Has not been previously published as pathogenic or benign to our knowledge

NM_138615.3(DHX30):c.1613G>A (p.Gly538Asp)

Gene: DHX30 (DExH-box helicase 30; plus strand). Cytogenetic location: 3p21.31.
Variant type: single nucleotide variant.
Coding change: c.1613G>A on transcript NM_138615.3 (MANE Select); coding-DNA position 1613, G replaced by A.
Protein change: p.Gly538Asp; replaces glycine 538 with aspartic acid.
Molecular consequence: missense variant.
Genome position (GRCh38, 1-based): chr3:47,846,685, G>A. VCF-style: chr3-47846685-G-A. GRCh37 (hg19) VCF-style: chr3-47888175-G-A.
Other names: c.1496G>A, p.Gly499Asp (NM_014966.4); c.1529G>A, p.Gly510Asp (NM_001330990.2); short protein forms G499D, G510D, G538D.
Identifiers: ClinVar variation 3340667 (VCV003340667.1).